The following is an entry in ClinVar:

ClinVar aggregate classification (germline): Pathogenic (1 of 4 stars; one submission).

Conditions:
Greig cephalopolysyndactyly syndrome (GCPS). Also called: POLYSYNDACTYLY WITH PECULIAR SKULL SHAPE; Greig syndrome; GLI3-Related Greig Cephalopolysyndactyly Syndrome. Identifiers: Orphanet 380, MedGen C0265306, MONDO:0008287, OMIM 175700.
Pallister-Hall syndrome (PHS). Also called: HYPOTHALAMIC HAMARTOBLASTOMA, HYPOPITUITARISM, IMPERFORATE ANUS, AND POSTAXIAL POLYDACTYLY; GLI3-Related Pallister-Hall Syndrome. Identifiers: Orphanet 672, MedGen C0265220, MONDO:0007804, OMIM 146510.

Submission:

Labcorp Genetics (formerly Invitae), Labcorp
Classification: Pathogenic for Pallister-Hall syndrome; Greig cephalopolysyndactyly syndrome. Last evaluated: 2022-08-22. Review status: criteria provided, single submitter. Criteria: Invitae Variant Classification Sherloc (09022015). Collection method: clinical testing. Allele origin: germline.
Comment: For these reasons, this variant has been classified as Pathogenic. This variant disrupts a region of the GLI3 protein in which other variant(s) (p.Gln1503*) have been determined to be pathogenic (PMID: 30235038). This suggests that this is a clinically significant region of the protein, and that variants that disrupt it are likely to be disease-causing. This variant has not been reported in the literature in individuals affected with GLI3-related conditions. This variant is not present in population databases (gnomAD no frequency). This sequence change creates a premature translational stop signal (p.Tyr1049*) in the GLI3 gene. While this is not anticipated to result in nonsense mediated decay, it is expected to disrupt the last 532 amino acid(s) of the GLI3 protein.

Literature cited by the submitters: PubMed 30235038.

NM_000168.6(GLI3):c.3147C>A (p.Tyr1049Ter)

Gene: GLI3 (GLI family zinc finger 3; minus strand). Cytogenetic location: 7p14.1.
Variant type: single nucleotide variant.
Coding change: c.3147C>A on transcript NM_000168.6 (MANE Select); coding-DNA position 3147, C replaced by A.
Protein change: p.Tyr1049Ter; replaces tyrosine 1049 with a stop codon.
Molecular consequence: nonsense.
Genome position (GRCh38, 1-based): chr7:41,965,926, G>T on the plus strand (C>A on the coding strand, the complement: GLI3 is on the minus strand). VCF-style: chr7-41965926-G-T. GRCh37 (hg19) VCF-style: chr7-42005524-G-T.
Other names: short protein forms Y1049*.
Identifiers: ClinVar variation 2026109 (VCV002026109.4), dbSNP rs779898173, ClinGen allele CA367319061.